The following is an entry in ClinVar:

ClinVar aggregate classification (germline): Likely pathogenic (1 of 4 stars; one submission).

Conditions:
Dilated cardiomyopathy 1G (CMD1G). Identifiers: Orphanet 154, MedGen C1858763, MONDO:0011400, OMIM 604145.
Autosomal recessive limb-girdle muscular dystrophy type 2J (LGMDR10). Also called: Limb-girdle muscular dystrophy, type 2J; MUSCULAR DYSTROPHY, LIMB-GIRDLE, AUTOSOMAL RECESSIVE 10. Identifiers: Orphanet 140922, MedGen C1837342, MONDO:0012127, OMIM 608807.

Submission:

Labcorp Genetics (formerly Invitae), Labcorp
Classification: Likely pathogenic for Dilated cardiomyopathy 1G; Autosomal recessive limb-girdle muscular dystrophy type 2J. Last evaluated: 2025-03-23. Review status: criteria provided, single submitter. Criteria: Invitae Variant Classification Sherloc (09022015). Collection method: clinical testing. Allele origin: germline.
Comment: This sequence change creates a premature translational stop signal (p.Arg20626delinsLeu*) in the TTN gene. While this is not anticipated to result in nonsense mediated decay, it is expected to create a truncated TTN protein. This variant is not present in population databases (gnomAD no frequency). This variant has not been reported in the literature in individuals affected with TTN-related conditions. This variant is located in the A band of TTN (PMID: 25589632). Truncating variants in this region are significantly overrepresented in patients affected with dilated cardiomyopathy (PMID: 25589632). Truncating variants in this region have also been reported in individuals affected with autosomal recessive centronuclear myopathy (PMID: 23975875). In summary, the currently available evidence indicates that the variant is pathogenic, but additional data are needed to prove that conclusively. Therefore, this variant has been classified as Likely Pathogenic.

Literature cited by the submitters: PubMed 25589632; PubMed 23975875.

NM_001267550.2(TTN):c.61876_61877insTTT (p.Arg20626delinsLeuTer)

Genes: TTN-AS1 (TTN antisense RNA 1; plus strand), TTN (titin; minus strand). Cytogenetic location: 2q31.2.
Variant type: Insertion.
Coding change: c.61876_61877insTTT on transcript NM_001267550.2 (MANE Select); coding-DNA positions 61876 to 61877, TTT inserted.
Protein change: p.Arg20626delinsLeuTer.
Molecular consequence: nonsense.
Genome position: GRCh38 VCF-style: chr2-178589848-C-CAAA. GRCh37 (hg19) VCF-style: chr2-179454575-C-CAAA.
Other names: c.56953_56954insTTT, p.Arg18985delinsLeuTer (NM_001256850.1); c.34681_34682insTTT, p.Arg11561delinsLeuTer (NM_003319.4); c.54172_54173insTTT, p.Arg18058delinsLeuTer (NM_133378.4); c.35056_35057insTTT, p.Arg11686delinsLeuTer (NM_133432.3); c.35257_35258insTTT, p.Arg11753delinsLeuTer (NM_133437.4).
Identifiers: ClinVar variation 4784512 (VCV004784512.1).